The following is an entry in ClinVar:

NM_002834.5(PTPN11):c.272A>G (p.Lys91Arg)

Gene: PTPN11 (protein tyrosine phosphatase non-receptor type 11; plus strand). Cytogenetic location: 12q24.13.
Variant type: single nucleotide variant.
Coding change: c.272A>G on transcript NM_002834.5 (MANE Select); coding-DNA position 272, A replaced by G.
Protein change: p.Lys91Arg; replaces lysine 91 with arginine.
Molecular consequence: missense variant.
Genome position (GRCh38, 1-based): chr12:112,450,452, A>G. VCF-style: chr12-112450452-A-G. GRCh37 (hg19) VCF-style: chr12-112888256-A-G.
Other names: c.272A>G, p.Lys91Arg (NM_001330437.2, NM_080601.3); c.269A>G, p.Lys90Arg (NM_001374625.1); short protein forms K91R, K90R.
Identifiers: ClinVar variation 224415 (VCV000224415.5), dbSNP rs869312744, ClinGen allele CA354982.
Genomic context (GRCh38, chr12:112,450,452, plus strand): 5'-TTGCCACTTTGGCTGAGTTGGTCCAGTATTACATGGAACATCACGGGCAATTAAAAGAGA[A>G]GAATGGAGATGTCATTGAGCTTAAATATCCTCTGAACTGTGCAGATCCTACCTCTGAAAG-3'
Protein context (NP_002825.3, residues 81-101): YMEHHGQLKE[Lys91Arg]NGDVIELKYP

ClinVar aggregate classification (germline): Uncertain significance. Review status: criteria provided, multiple submitters, no conflicts (2 of 4 stars). 3 submissions from 3 submitters: Uncertain significance (3). Last evaluated 2026-05-14.

Conditions:
Cardiovascular phenotype. Identifiers: MedGen CN230736.
RASopathy. Also called: Noonan spectrum disorder; rasopathies. Identifiers: Orphanet 536391, MedGen C5555857, MONDO:0021060.

Allele frequency attached by ClinVar (database versions not stated): gnomAD 0.00001; gnomAD exomes below 0.00001.
gnomAD v4.1: 1 of 1,614,044 alleles (0.000062%); highest among the groups gnomAD compares: African/African-American, 0.0013%; no homozygotes.

Submissions (3):

Ambry Genetics
Classification: Uncertain significance for Cardiovascular phenotype. Last evaluated: 2026-05-14. Review status: criteria provided, single submitter. Criteria: Ambry Variant Classification Scheme 2023. Collection method: clinical testing. Allele origin: germline.
Comment: The p.K91R variant (also known as c.272A>G), located in coding exon 3 of the PTPN11 gene, results from an A to G substitution at nucleotide position 272. The lysine at codon 91 is replaced by arginine, an amino acid with highly similar properties. This amino acid position is conserved. In addition, the in silico prediction for this alteration is inconclusive. Based on the available evidence, the clinical significance of this variant remains unclear.

Labcorp Genetics (formerly Invitae), Labcorp
Classification: Uncertain significance for RASopathy. Last evaluated: 2025-11-27. Review status: criteria provided, single submitter. Criteria: Invitae Variant Classification Sherloc (09022015). Collection method: clinical testing. Allele origin: germline.
Comment: This sequence change replaces lysine, which is basic and polar, with arginine, which is basic and polar, at codon 91 of the PTPN11 protein (p.Lys91Arg). This variant is present in population databases (no rsID available, gnomAD 0.007%). This variant has not been reported in the literature in individuals affected with PTPN11-related conditions. ClinVar contains an entry for this variant (Variation ID: 224415). Invitae Evidence Modeling of protein sequence and biophysical properties (such as structural, functional, and spatial information, amino acid conservation, physicochemical variation, residue mobility, and thermodynamic stability) indicates that this missense variant is not expected to disrupt PTPN11 protein function with a negative predictive value of 80%. Experimental studies have shown that this missense change affects PTPN11 function (PMID: 28287082). In summary, the available evidence is currently insufficient to determine the role of this variant in disease. Therefore, it has been classified as a Variant of Uncertain Significance.

Molecular Diagnostics Lab, Nemours Children's Health, Delaware
Classification: Uncertain significance. Last evaluated: 2015-09-29. Review status: criteria provided, single submitter. Criteria: ACMG Guidelines, 2015. Collection method: clinical testing. Allele origin: unknown. Affected: yes. Observed: 1 variant allele.

Literature cited by the submitters: PubMed 28287082 (cited by Labcorp Genetics (formerly Invitae), Labcorp).